The following is an entry in ClinVar:

NM_032119.4(ADGRV1):c.23-1G>A

Gene: ADGRV1 (adhesion G protein-coupled receptor V1; plus strand). Cytogenetic location: 5q14.3.
Variant type: single nucleotide variant.
Coding change: c.23-1G>A on transcript NM_032119.4 (MANE Select); the canonical splice acceptor site of the intron before coding-DNA position 23, G replaced by A.
Molecular consequence: splice acceptor variant.
Genome position (GRCh38, 1-based): chr5:90,614,834, G>A. VCF-style: chr5-90614834-G-A. GRCh37 (hg19) VCF-style: chr5-89910651-G-A.
Identifiers: ClinVar variation 2990667 (VCV002990667.3), dbSNP rs2531675868, ClinGen allele CA360381746.

ClinVar aggregate classification (germline): Likely pathogenic (1 of 4 stars; one submission).

Allele frequency attached by ClinVar (database versions not stated): gnomAD exomes below 0.00001.
gnomAD v4.1: 2 of 1,602,530 alleles (0.00012%); highest among the groups gnomAD compares: Non-Finnish European, 0.00017%; no homozygotes.

Submission:

Labcorp Genetics (formerly Invitae), Labcorp
Classification: Likely pathogenic. Last evaluated: 2023-10-05. Review status: criteria provided, single submitter. Criteria: Invitae Variant Classification Sherloc (09022015). Collection method: clinical testing. Allele origin: germline.
Comment: This sequence change affects an acceptor splice site in intron 1 of the ADGRV1 gene. It is expected to disrupt RNA splicing. Variants that disrupt the donor or acceptor splice site typically lead to a loss of protein function (PMID: 16199547), and loss-of-function variants in ADGRV1 are known to be pathogenic (PMID: 19357117, 22135276, 22147658, 26226137, 30718709, 31047384, 32467589). This variant is not present in population databases (gnomAD no frequency). This variant has not been reported in the literature in individuals affected with ADGRV1-related conditions. Algorithms developed to predict the effect of sequence changes on RNA splicing suggest that this variant may disrupt the consensus splice site. In summary, the currently available evidence indicates that the variant is pathogenic, but additional data are needed to prove that conclusively. Therefore, this variant has been classified as Likely Pathogenic.

Literature cited by the submitters: PubMed 16199547; PubMed 19357117; PubMed 22135276; PubMed 22147658; PubMed 26226137; PubMed 30718709; PubMed 31047384; PubMed 32467589.